The following is an entry in ClinVar:

NM_024996.7(GFM1):c.1764+2T>C

Gene: GFM1 (G elongation factor mitochondrial 1; plus strand). Cytogenetic location: 3q25.32.
Variant type: single nucleotide variant.
Coding change: c.1764+2T>C on transcript NM_024996.7 (MANE Select); the canonical splice donor site of the intron after coding-DNA position 1764, T replaced by C.
Molecular consequence: splice donor variant. On other transcripts: missense variant (1).
Genome position (GRCh38, 1-based): chr3:158,682,159, T>C. VCF-style: chr3-158682159-T-C. GRCh37 (hg19) VCF-style: chr3-158399948-T-C.
Other names: c.1766T>C, p.Val589Ala (NM_001308166.2); c.1821+2T>C (NM_001308164.2, NM_001308164.1); c.1539+2T>C (NM_001374357.1); c.1683+2T>C (NM_001374355.1); c.1647+2T>C (NM_001374356.1); c.1197+2T>C (NM_001374359.1, NM_001374360.1); c.1080+2T>C (NM_001374361.1); c.1305+2T>C (NM_001374358.1); short protein forms V589A.
Identifiers: ClinVar variation 3064552 (VCV003064552.3), dbSNP rs1725442904, ClinGen allele CA355181314.

ClinVar aggregate classification (germline): Likely pathogenic. Review status: criteria provided, multiple submitters, no conflicts (2 of 4 stars). 2 submissions from 2 submitters: Likely pathogenic (2). Last evaluated 2024-08-23.

Conditions:
Hepatoencephalopathy due to combined oxidative phosphorylation defect type 1. Also called: HEPATOENCEPHALOPATHY, EARLY FATAL PROGRESSIVE. Identifiers: Orphanet 137681, MedGen C1836797, MONDO:0012191, OMIM 609060.

Allele frequency attached by ClinVar (database versions not stated): TOPMed below 0.00001.

Submissions (2):

Natera, Inc.
Classification: Likely pathogenic for Combined oxidative phosphorylation deficiency 1. Last evaluated: 2024-08-23. Review status: criteria provided, single submitter. Criteria: Natera Variant Classification Schema (03/2026). Collection method: clinical testing. Allele origin: germline.
Comment: The c.1764+2T>C variant in GFM1 is a canonical splice donor site variant predicted to affect pre-mRNA splicing, which may result in an abnormal transcript and altered protein product. This variant is expected to result in nonsense mediated decay, truncation, or a dysfunctional protein product. This variant is rare in the general population with a frequency below the threshold expected for the associated phenotype(s). Given the available evidence, this variant is classified as Likely Pathogenic.

Genomic Medicine Center of Excellence, King Faisal Specialist Hospital and Research Centre
Classification: Likely pathogenic for Hepatoencephalopathy due to combined oxidative phosphorylation defect type 1. Last evaluated: 2024-03-25. Review status: criteria provided, single submitter. Criteria: ACMG Guidelines, 2015. Collection method: research. Allele origin: germline.